The following is an entry in ClinVar:

ClinVar aggregate classification (germline): Uncertain significance (1 of 4 stars; one submission).

Submission:

CeGaT Center for Human Genetics Tuebingen
Classification: Uncertain significance. Last evaluated: 2022-05-01. Review status: criteria provided, single submitter. Criteria: CeGaT Center For Human Genetics Tuebingen Variant Classification Criteria Version 2. Collection method: clinical testing. Allele origin: germline. Affected: yes. Observed: 1 variant allele.
Comment: GNE: PM2, PP3

NM_005476.7(GNE):c.160T>A (p.Tyr54Asn)

Gene: GNE (glucosamine (UDP-N-acetyl)-2-epimerase/N-acetylmannosamine kinase; minus strand). Cytogenetic location: 9p13.3.
Variant type: single nucleotide variant.
Coding change: c.160T>A on transcript NM_005476.7 (MANE Select); coding-DNA position 160, T replaced by A.
Protein change: p.Tyr54Asn; replaces tyrosine 54 with asparagine.
Molecular consequence: missense variant. On other transcripts: intron variant (3).
Genome position (GRCh38, 1-based): chr9:36,249,196, A>T on the plus strand (T>A on the coding strand, the complement: GNE is on the minus strand). VCF-style: chr9-36249196-A-T. GRCh37 (hg19) VCF-style: chr9-36249193-A-T.
Other names: c.253T>A, p.Tyr85Asn (NM_001128227.3); c.160T>A, p.Tyr54Asn (NM_001190383.3, NM_001374797.1); c.-13-2714T>A (NM_001190388.2, NM_001190384.3, NM_001374798.1); short protein forms Y54N, Y85N.
Identifiers: ClinVar variation 2659192 (VCV002659192.24), dbSNP rs2489809301, ClinGen allele CA373421570.